The following is an entry in ClinVar:

NM_001146227.3(RPS20):c.408C>A (p.Ser136=)

Gene: RPS20 (ribosomal protein S20; minus strand). Cytogenetic location: 8q12.1.
Variant type: single nucleotide variant.
Coding change: c.408C>A on transcript NM_001146227.3; coding-DNA position 408, C replaced by A.
Protein change: p.Ser136=; no amino-acid change (serine 136 retained).
Molecular consequence: synonymous variant.
Genome position (GRCh38, 1-based): chr8:56,069,759, G>T on the plus strand (C>A on the coding strand, the complement: RPS20 is on the minus strand). VCF-style: chr8-56069759-G-T. GRCh37 (hg19) VCF-style: chr8-56982318-G-T.
Identifiers: ClinVar variation 5042167 (VCV005042167.1).

ClinVar aggregate classification (germline): Benign (1 of 4 stars; one submission).

Conditions:
Familial colorectal cancer type X. Identifiers: Orphanet 440437, MedGen C3896578, MONDO:0018604.

Submission:

Myriad Genetics, Inc.
Classification: Benign for Familial colorectal cancer type X. Last evaluated: 2026-08-04. Review status: criteria provided, single submitter. Criteria: Myriad Autosomal Dominant, Autosomal Recessive and X-Linked Classification Criteria (2023). Collection method: clinical testing. Allele origin: unknown.
Comment: This variant is considered benign. This variant is a silent/synonymous amino acid change and it is not expected to impact splicing.